The following is an entry in ClinVar:

NM_003000.3(SDHB):c.825G>A (p.Glu275=)

Gene: SDHB (succinate dehydrogenase complex iron sulfur subunit B; minus strand). Cytogenetic location: 1p36.13.
Variant type: single nucleotide variant.
Coding change: c.825G>A on transcript NM_003000.3 (MANE Select); coding-DNA position 825, G replaced by A.
Protein change: p.Glu275=; no amino-acid change (glutamic acid 275 retained).
Molecular consequence: synonymous variant.
Genome position (GRCh38, 1-based): chr1:17,018,899, C>T on the plus strand (G>A on the coding strand, the complement: SDHB is on the minus strand). VCF-style: chr1-17018899-C-T. GRCh37 (hg19) VCF-style: chr1-17345394-C-T.
Other names: c.771G>A, p.Glu257= (NM_001407361.1).
Identifiers: ClinVar variation 3075408 (VCV003075408.1), dbSNP rs2524994821, ClinGen allele CA416080331.

ClinVar aggregate classification (germline): Likely benign (1 of 4 stars; one submission).

Conditions:
Hereditary pheochromocytoma and paraganglioma. Also called: Hereditary pheochromocytoma-paraganglioma; Hereditary Paraganglioma-Pheochromocytoma Syndromes; Hereditary paragangliomas and pheochromocytomas. Identifiers: Orphanet 29072, MedGen C4274332, MONDO:0017366.

Submission:

All of Us Research Program, National Institutes of Health
Classification: Likely benign for Hereditary pheochromocytoma and paraganglioma. Last evaluated: 2024-02-05. Review status: criteria provided, single submitter. Criteria: ACMG Guidelines, 2015. Collection method: clinical testing. Allele origin: germline. Inheritance: Autosomal dominant inheritance. Observed: 1 variant allele, 1 heterozygote.
Comment: This study involves interpretation of variants in research participants for the purpose of population health screening. Participant phenotype was not available at the time of variant classification. Additional details can be found in publication PMID: 35346344, PMCID: PMC8962531